The following is an entry in ClinVar:

ClinVar aggregate classification (germline): Pathogenic (1 of 4 stars; one submission).

Conditions:
Factor XII deficiency disease. Also called: Congenital factor XII deficiency; Reduced factor XII activity; F12 DEFICIENCY; HAF DEFICIENCY. Identifiers: Orphanet 330, MedGen C0015526, MONDO:0009315, OMIM 234000, HP:0004841.

Submission:

MVZ Medizinische Genetik Mainz
Classification: Pathogenic for Factor XII deficiency disease. Last evaluated: 2023-01-06. Review status: criteria provided, single submitter. Criteria: UK Practice Guidelines For Variant Classification V4 01 2020. Collection method: clinical testing. Allele origin: germline. Inheritance: Autosomal recessive inheritance. Affected: yes. Observed: 1 variant allele.
Comment: ACMG Criteria: PVS1, PM2_SUP, PP4

NM_000505.4(F12):c.1570del (p.Val524fs)

Gene: F12 (coagulation factor XII; minus strand). Cytogenetic location: 5q35.3.
Variant type: Deletion.
Coding change: c.1570del on transcript NM_000505.4 (MANE Select); coding-DNA position 1570, one base deleted (G; older notation c.1570delG).
Protein change: p.Val524fs; shifts the reading frame from valine 524.
Molecular consequence: frameshift variant.
Genome position (GRCh38, 1-based): chr5:177,402,660, C deleted on the plus strand (G on the coding strand, the reverse complement: F12 is on the minus strand); the first of 2 consecutive C bases (chr5:177,402,660-177,402,661); deleting either gives the same sequence. VCF-style (leftmost placement, unchanged base first): chr5-177402659-AC-A. GRCh37 (hg19) VCF-style: chr5-176829660-AC-A.
Other names: short protein forms V524fs.
Identifiers: ClinVar variation 3066136 (VCV003066136.1), dbSNP rs2481036738, ClinGen allele CA2740097829.